The following is an entry in ClinVar:

NM_000132.4(F8):c.5824G>A (p.Gly1942Ser)

Gene: F8 (coagulation factor VIII; minus strand). Cytogenetic location: Xq28.
Variant type: single nucleotide variant.
Coding change: c.5824G>A on transcript NM_000132.4 (MANE Select); coding-DNA position 5824, G replaced by A.
Protein change: p.Gly1942Ser; replaces glycine 1942 with serine.
Molecular consequence: missense variant.
Genome position (GRCh38, 1-based): chrX:154,904,080, C>T on the plus strand (G>A on the coding strand, the complement: F8 is on the minus strand). VCF-style: chrX-154904080-C-T. GRCh37 (hg19) VCF-style: chrX-154132355-C-T.
Other names: short protein forms G1942S.
Identifiers: ClinVar variation 4689394 (VCV004689394.1).

ClinVar aggregate classification (germline): Uncertain significance (1 of 4 stars; one submission).

Submission:

Women's Health and Genetics/Laboratory Corporation of America, LabCorp
Classification: Uncertain significance. Last evaluated: 2026-01-14. Review status: criteria provided, single submitter. Criteria: LabCorp Variant Classification Summary - May 2015. Collection method: clinical testing. Allele origin: germline.
Comment: Variant summary: F8 c.5824G>A (p.Gly1942Ser) results in a non-conservative amino acid change in the encoded protein sequence. Algorithms developed to predict the effect of missense changes on protein structure and function all suggest that this variant is likely to be disruptive. The variant was absent in 183127 control chromosomes (gnomAD). The available data on variant occurrences in the general population are insufficient to allow any conclusion about variant significance. c.5824G>A has been observed in individuals affected with Factor VIII Deficiency (Hemophilia A) (Johnsen_2017, Pshenichnikova_2023, Grigore_2024). These reports do not provide unequivocal conclusions about association of the variant with Factor VIII Deficiency (Hemophilia A). To our knowledge, no experimental evidence demonstrating an impact on protein function has been reported. The following publications have been ascertained in the context of this evaluation (PMID: 39125936, 29296726, 36833187). No submitters have cited clinical-significance assessments for this variant to ClinVar. Based on the evidence outlined above, the variant was classified as uncertain significance.

Literature cited by the submitters: PubMed 29296726; PubMed 39125936; PubMed 36833187.